The following is an entry in ClinVar:

ClinVar aggregate classification (germline): Uncertain significance (1 of 4 stars; one submission).

Conditions:
Dilated cardiomyopathy 1AA (CMD1AA). Also called: CARDIOMYOPATHY, FAMILIAL HYPERTROPHIC, 23, WITH OR WITHOUT LEFT VENTRICULAR NONCOMPACTION; CARDIOMYOPATHY, DILATED, 1AA, WITH OR WITHOUT LEFT VENTRICULAR NONCOMPACTION; Cardiomyopathy, dilated, 1AA, with or without LVNC. Identifiers: Orphanet 154, MedGen C2677338, MONDO:0012808, OMIM 612158.
Primary familial hypertrophic cardiomyopathy (HCM). Identifiers: Orphanet 99739, MedGen C0949658, MeSH D024741, MONDO:0024573. Inheritance: Various modes of inheritance.

Submission:

Labcorp Genetics (formerly Invitae), Labcorp
Classification: Uncertain significance for Primary familial hypertrophic cardiomyopathy; Dilated cardiomyopathy 1AA. Last evaluated: 2023-08-16. Review status: criteria provided, single submitter. Criteria: Invitae Variant Classification Sherloc (09022015). Collection method: clinical testing. Allele origin: germline.
Comment: ClinVar contains an entry for this variant (Variation ID: 2116799). In summary, the available evidence is currently insufficient to determine the role of this variant in disease. Therefore, it has been classified as a Variant of Uncertain Significance. Advanced modeling of protein sequence and biophysical properties (such as structural, functional, and spatial information, amino acid conservation, physicochemical variation, residue mobility, and thermodynamic stability) performed at Invitae indicates that this missense variant is not expected to disrupt ACTN2 protein function. This variant has not been reported in the literature in individuals affected with ACTN2-related conditions. This variant is not present in population databases (gnomAD no frequency). This sequence change replaces glutamine, which is neutral and polar, with arginine, which is basic and polar, at codon 654 of the ACTN2 protein (p.Gln654Arg).

NM_001103.4(ACTN2):c.1961A>G (p.Gln654Arg)

Gene: ACTN2 (actinin alpha 2; plus strand). Cytogenetic location: 1q43.
Variant type: single nucleotide variant.
Coding change: c.1961A>G on transcript NM_001103.4 (MANE Select); coding-DNA position 1961, A replaced by G.
Protein change: p.Gln654Arg; replaces glutamine 654 with arginine.
Molecular consequence: missense variant.
Genome position (GRCh38, 1-based): chr1:236,754,068, A>G. VCF-style: chr1-236754068-A-G. GRCh37 (hg19) VCF-style: chr1-236917368-A-G.
Other names: c.1961A>G, p.Gln654Arg (NM_001278343.2); c.1337A>G, p.Gln446Arg (NM_001278344.2); c.1211A>G, p.Gln404Arg (NM_001412150.1); short protein forms Q404R, Q446R, Q654R.
Identifiers: ClinVar variation 2116799 (VCV002116799.4), dbSNP rs2527644552, ClinGen allele CA345387085.